The following is an entry in ClinVar:

NM_144997.7(FLCN):c.576_586del (p.Lys192fs)

Gene: FLCN (folliculin; minus strand). Cytogenetic location: 17p11.2.
Variant type: Deletion.
Coding change: c.576_586del on transcript NM_144997.7 (MANE Select); coding-DNA positions 576 to 586, 11 bases deleted (GGTCCGGGGAA).
Protein change: p.Lys192fs; shifts the reading frame from lysine 192.
Molecular consequence: frameshift variant.
Genome position (GRCh38, 1-based): chr17:17,223,954-17,223,964, TTCCCCGGACC deleted on the plus strand (GGTCCGGGGAA on the coding strand, the reverse complement: FLCN is on the minus strand); deleting any 11 consecutive bases within chr17:17,223,954-17,223,970 gives the same sequence; the c. name uses the placement nearest the transcript's 3' end. VCF-style (leftmost placement, unchanged base first): chr17-17223953-ATTCCCCGGACC-A. GRCh37 (hg19) VCF-style: chr17-17127267-ATTCCCCGGACC-A.
Other names: c.630_640del, p.Lys210fs (NM_001353229.2); c.576_586del, p.Lys192fs (NM_001353230.2, NM_001353231.2, NM_144606.7); short protein forms K210fs, K192fs.
Identifiers: ClinVar variation 963006 (VCV000963006.7), dbSNP rs2047172274, ClinGen allele CA1139665248.

ClinVar aggregate classification (germline): Pathogenic (1 of 4 stars; one submission).

Conditions:
Birt-Hogg-Dube syndrome. Also called: Birt Hogg Dubé syndrome. Identifiers: Orphanet 122, MedGen C0346010, MONDO:0800444.

Submission:

Labcorp Genetics (formerly Invitae), Labcorp
Classification: Pathogenic for Birt-Hogg-Dube syndrome. Last evaluated: 2025-12-10. Review status: criteria provided, single submitter. Criteria: Invitae Variant Classification Sherloc (09022015). Collection method: clinical testing. Allele origin: germline.
Comment: This sequence change creates a premature translational stop signal (p.Lys192Asnfs*4) in the FLCN gene. It is expected to result in an absent or disrupted protein product. Loss-of-function variants in FLCN are known to be pathogenic (PMID: 15852235). This variant is not present in population databases (gnomAD no frequency). This variant has not been reported in the literature in individuals affected with FLCN-related conditions. ClinVar contains an entry for this variant (Variation ID: 963006). For these reasons, this variant has been classified as Pathogenic.

Literature cited by the submitters: PubMed 15852235.